The following is an entry in ClinVar:

ClinVar aggregate classification (germline): Uncertain significance (1 of 4 stars; one submission).

gnomAD v4.1: 2 of 1,614,026 alleles (0.00012%); highest among the groups gnomAD compares: Admixed American, 0.0017%; no homozygotes.

Submission:

Labcorp Genetics (formerly Invitae), Labcorp
Classification: Uncertain significance. Last evaluated: 2025-03-20. Review status: criteria provided, single submitter. Criteria: Invitae Variant Classification Sherloc (09022015). Collection method: clinical testing. Allele origin: germline.
Comment: This sequence change replaces alanine, which is neutral and non-polar, with aspartic acid, which is acidic and polar, at codon 1710 of the NALCN protein (p.Ala1710Asp). This variant is not present in population databases (gnomAD no frequency). This variant has not been reported in the literature in individuals affected with NALCN-related conditions. Invitae Evidence Modeling of protein sequence and biophysical properties (such as structural, functional, and spatial information, amino acid conservation, physicochemical variation, residue mobility, and thermodynamic stability) indicates that this missense variant is not expected to disrupt NALCN protein function with a negative predictive value of 80%. In summary, the available evidence is currently insufficient to determine the role of this variant in disease. Therefore, it has been classified as a Variant of Uncertain Significance.

NM_052867.4(NALCN):c.5129C>A (p.Ala1710Asp)

Genes: NALCN (sodium leak channel, non-selective; minus strand), NALCN-AS1 (NALCN antisense RNA 1; plus strand). Cytogenetic location: 13q32.3.
Variant type: single nucleotide variant.
Coding change: c.5129C>A on transcript NM_052867.4 (MANE Select); coding-DNA position 5129, C replaced by A.
Protein change: p.Ala1710Asp; replaces alanine 1710 with aspartic acid.
Molecular consequence: missense variant. On other transcripts: non-coding transcript variant (1).
Genome position (GRCh38, 1-based): chr13:101,055,383, G>T on the plus strand (C>A on the coding strand, the complement: NALCN is on the minus strand). VCF-style: chr13-101055383-G-T. GRCh37 (hg19) VCF-style: chr13-101707735-G-T.
Other names: c.5216C>A, p.Ala1739Asp (NM_001350748.2); c.5129C>A, p.Ala1710Asp (NM_001350749.2); c.5042C>A, p.Ala1681Asp (NM_001350750.2, NM_001350751.2); short protein forms A1739D, A1681D, A1710D.
Identifiers: ClinVar variation 4775479 (VCV004775479.1).